The following is an entry in ClinVar:

ClinVar aggregate classification (germline): Pathogenic (1 of 4 stars; one submission).

Conditions:
Immunodeficiency, common variable, 7. Identifiers: Orphanet 1572, Orphanet 696894, MedGen C3542922, MONDO:0013862, OMIM 614699.

Submission:

Labcorp Genetics (formerly Invitae), Labcorp
Classification: Pathogenic for Immunodeficiency, common variable, 7. Last evaluated: 2022-11-12. Review status: criteria provided, single submitter. Criteria: Invitae Variant Classification Sherloc (09022015). Collection method: clinical testing. Allele origin: germline.
Comment: This sequence change creates a premature translational stop signal (p.Leu1024Valfs*14) in the CR2 gene. It is expected to result in an absent or disrupted protein product. Loss-of-function variants in CR2 are known to be pathogenic (PMID: 26325596, 28499783). This variant is not present in population databases (gnomAD no frequency). This variant has not been reported in the literature in individuals affected with CR2-related conditions. For these reasons, this variant has been classified as Pathogenic.

Literature cited by the submitters: PubMed 26325596; PubMed 28499783.

NM_001006658.3(CR2):c.3070_3088del (p.Leu1024fs)

Gene: CR2 (complement C3d receptor 2; plus strand). Cytogenetic location: 1q32.2.
Variant type: Deletion.
Coding change: c.3070_3088del on transcript NM_001006658.3 (MANE Select); coding-DNA positions 3070 to 3088, 19 bases deleted (CTGGCGGTTTGCAGATCCC).
Protein change: p.Leu1024fs; shifts the reading frame from leucine 1024.
Molecular consequence: frameshift variant.
Genome position (GRCh38, 1-based): chr1:207,478,052-207,478,070, CTGGCGGTTTGCAGATCCC deleted; deleting any 19 consecutive bases within chr1:207,478,048-207,478,070 gives the same sequence; the c. name uses the placement nearest the transcript's 3' end. VCF-style (leftmost placement, unchanged base first): chr1-207478047-CTCCCCTGGCGGTTTGCAGA-C. GRCh37 (hg19) VCF-style: chr1-207651392-CTCCCCTGGCGGTTTGCAGA-C.
Other names: c.2893_2911del, p.Leu965fs (NM_001877.5); short protein forms L1024fs, L965fs.
Identifiers: ClinVar variation 2987740 (VCV002987740.3), dbSNP rs1402133337, ClinGen allele CA730657765.